The following is an entry in ClinVar:

NM_001346754.2(PIGW):c.659T>G (p.Ile220Arg)

Genes: MYO19 (myosin XIX; minus strand), PIGW (phosphatidylinositol glycan anchor biosynthesis class W; plus strand). Cytogenetic location: 17q12.
Variant type: single nucleotide variant.
Coding change: c.659T>G on transcript NM_001346754.2 (MANE Select); coding-DNA position 659, T replaced by G.
Protein change: p.Ile220Arg; replaces isoleucine 220 with arginine.
Molecular consequence: missense variant.
Genome position (GRCh38, 1-based): chr17:36,537,760, T>G. VCF-style: chr17-36537760-T-G. GRCh37 (hg19) VCF-style: chr17-34893609-T-G.
Other names: c.659T>G, p.Ile220Arg (NM_001346755.2, NM_178517.5); short protein forms I220R.
Identifiers: ClinVar variation 1303679 (VCV001303679.4), dbSNP rs1240854434, ClinGen allele CA399163149.

ClinVar aggregate classification (germline): Uncertain significance. Review status: criteria provided, multiple submitters, no conflicts (2 of 4 stars). 2 submissions from 2 submitters: Uncertain significance (2). Last evaluated 2020-02-11.

Conditions:
Hyperphosphatasia with intellectual disability syndrome 5 (GPIBD11). Also called: GLYCOSYLPHOSPHATIDYLINOSITOL BIOSYNTHESIS DEFECT 11. Identifiers: Orphanet 247262, MedGen C4014958, MONDO:0014457, OMIM 616025.

Allele frequency attached by ClinVar (database versions not stated): gnomAD exomes below 0.00001; TOPMed below 0.00001.
gnomAD v4.1: 1 of 1,614,192 alleles (0.000062%); highest among the groups gnomAD compares: East Asian, 0.0022%; no homozygotes.

Submissions (2):

GeneDx
Classification: Uncertain significance. Last evaluated: 2020-02-11. Review status: criteria provided, single submitter. Criteria: GeneDx Variant Classification Process June 2021. Collection method: clinical testing. Allele origin: germline. Affected: yes.
Comment: Not observed at a significant frequency in large population cohorts (Lek et al., 2016); In silico analysis supports that this missense variant has a deleterious effect on protein structure/function; Has not been previously published as pathogenic or benign to our knowledge

Juno Genomics, Hangzhou Juno Genomics, Inc
Classification: Uncertain significance for Hyperphosphatasia with intellectual disability syndrome 5. Review status: criteria provided, single submitter. Criteria: ACMG Guidelines, 2015. Collection method: clinical testing. Allele origin: germline. Affected: yes.
Comment: Absent from controls (or at extremely low frequency if recessive) in Genome Aggregation Database, Exome Sequencing Project, 1000 Genomes Project, or Exome Aggregation Consortium.;Multiple lines of computational evidence support a deleterious effect on the gene or gene product (conservation, evolutionary, splicing impact, etc).